The following is an entry in ClinVar:

ClinVar aggregate classification (germline): Likely benign (0 of 4 stars; one submission).

Conditions:
PLCE1-related disorder. Also called: PLCE1-related condition.

Allele frequency attached by ClinVar (database versions not stated): ExAC 0.00001; gnomAD 0.00001; TOPMed 0.00001; gnomAD exomes 0.00004.
gnomAD v4.1: 62 of 1,613,974 alleles (0.0038%); highest among the groups gnomAD compares: Non-Finnish European, 0.0049%; no homozygotes.

Submission:

PreventionGenetics, part of Exact Sciences
Classification: Likely benign for PLCE1-related condition. Last evaluated: 2023-02-27. Review status: no assertion criteria provided. Collection method: clinical testing. Allele origin: germline.
Comment: This variant is classified as likely benign based on ACMG/AMP sequence variant interpretation guidelines (Richards et al. 2015 PMID: 25741868, with internal and published modifications).

NM_016341.4(PLCE1):c.3677+5A>T

Gene: PLCE1 (phospholipase C epsilon 1; plus strand). Cytogenetic location: 10q23.33.
Variant type: single nucleotide variant.
Coding change: c.3677+5A>T on transcript NM_016341.4 (MANE Select); 5 bases into the intron after coding-DNA position 3677, A replaced by T.
Molecular consequence: intron variant.
Genome position (GRCh38, 1-based): chr10:94,258,927, A>T. VCF-style: chr10-94258927-A-T. GRCh37 (hg19) VCF-style: chr10-96018684-A-T.
Other names: c.3629+5A>T (NM_001288989.2); c.2753+5A>T (NM_001165979.2).
Identifiers: ClinVar variation 3030104 (VCV003030104.2), dbSNP rs777407765, ClinGen allele CA5612946.